The following is an entry in ClinVar:

NM_016816.4(OAS1):c.1166del (p.Pro389fs)

Gene: OAS1 (2'-5'-oligoadenylate synthetase 1; plus strand). Cytogenetic location: 12q24.13.
Variant type: Deletion.
Coding change: c.1166del on transcript NM_016816.4 (MANE Select); coding-DNA position 1166, one base deleted (C; older notation c.1166delC).
Protein change: p.Pro389fs; shifts the reading frame from proline 389.
Molecular consequence: frameshift variant. On other transcripts: intron variant (1).
Genome position (GRCh38, 1-based): chr12:112,919,516, C deleted; the last of 4 consecutive C bases (chr12:112,919,513-112,919,516); deleting any one gives the same sequence. VCF-style (leftmost placement, unchanged base first): chr12-112919512-AC-A. GRCh37 (hg19) VCF-style: chr12-113357317-AC-A.
Other names: c.1068del, p.Thr357fs (NM_001032409.3); c.1044delC, p.Thr349Glnfs (NM_001406020.1); c.1142delC, p.Pro381Hisfs (NM_001406021.1); c.*803delC (NM_001406022.1, NM_001406023.1, NM_001406029.1); c.*1759delC (NM_001406024.1, NM_001406030.1); c.594delC, p.Thr199Glnfs (NM_001406026.1); c.692delC, p.Pro231Hisfs (NM_001406027.1); c.1038+1816del (NM_001320151.2); short protein forms T357fs, P389fs.
Identifiers: ClinVar variation 1927024 (VCV001927024.5), dbSNP rs748013297, ClinGen allele CA6800022.

ClinVar aggregate classification (germline): Uncertain significance (1 of 4 stars; one submission).

Submission:

Labcorp Genetics (formerly Invitae), Labcorp
Classification: Uncertain significance. Last evaluated: 2026-01-15. Review status: criteria provided, single submitter. Criteria: Invitae Variant Classification Sherloc (09022015). Collection method: clinical testing. Allele origin: germline.
Comment: This sequence change is expected to alter the c-terminus of the OAS1 protein (p.Pro389Hisfs*72). While this is not anticipated to result in nonsense mediated decay, it is expected to disrupt the last 12 amino acid(s) of the OAS1 protein and extend the protein by 59 additional amino acid residues. This variant is present in population databases (rs748013297, gnomAD 0.006%). This variant has not been reported in the literature in individuals affected with OAS1-related conditions. ClinVar contains an entry for this variant (Variation ID: 1927024). Experimental studies and prediction algorithms are not available or were not evaluated, and the functional significance of this variant is currently unknown. In summary, the available evidence is currently insufficient to determine the role of this variant in disease. Therefore, it has been classified as a Variant of Uncertain Significance.